The following is an entry in ClinVar:

NM_004360.5(CDH1):c.2505T>C (p.Tyr835=)

Gene: CDH1 (cadherin 1; plus strand). Cytogenetic location: 16q22.1.
Variant type: single nucleotide variant.
Coding change: c.2505T>C on transcript NM_004360.5 (MANE Select); coding-DNA position 2505, T replaced by C.
Protein change: p.Tyr835=; no amino-acid change (tyrosine 835 retained).
Molecular consequence: synonymous variant.
Genome position (GRCh38, 1-based): chr16:68,833,355, T>C. VCF-style: chr16-68833355-T-C. GRCh37 (hg19) VCF-style: chr16-68867258-T-C.
Other names: c.2505T>C (LRG_301t1); c.2322T>C, p.Tyr774= (NM_001317184.2); c.957T>C, p.Tyr319= (NM_001317185.2); c.540T>C, p.Tyr180= (NM_001317186.2).
Identifiers: ClinVar variation 185990 (VCV000185990.26), dbSNP rs786202613, ClinGen allele CA193572.
Genomic context (GRCh38, chr16:68,833,355, plus strand): 5'-GAAAGCGGCTGATACTGACCCCACAGCCCCGCCTTATGATTCTCTGCTCGTGTTTGACTA[T>C]GAAGGAAGCGGTTCCGAAGCTGCTAGTCTGAGCTCCCTGAACTCCTCAGAGTCAGACAAA-3'
Protein context (NP_004351.1, residues 825-845): PPYDSLLVFD[Tyr835=]EGSGSEAASL

ClinVar aggregate classification (germline): Conflicting classifications of pathogenicity. Review status: criteria provided, conflicting classifications (1 of 4 stars). 6 submissions from 6 submitters: Uncertain significance (1); Benign (1); Likely benign (4). Last evaluated 2026-07-13.

Conditions:
Hereditary cancer-predisposing syndrome. Also called: Neoplastic Syndromes, Hereditary; Hereditary Cancer Syndrome; Tumor predisposition; Hereditary neoplastic syndrome. Identifiers: Orphanet 140162, MedGen C0027672, MeSH D009386, MONDO:0015356.
Hereditary diffuse gastric adenocarcinoma (HDGC). Also called: DIFFUSE GASTRIC AND LOBULAR BREAST CANCER SYNDROME. Identifiers: Orphanet 26106, MedGen C1708349, MONDO:0007648, OMIM 137215.

Allele frequency attached by ClinVar (database versions not stated): 1000 Genomes Project 30x 0.00016; gnomAD 0.00001 and 0.00002.
gnomAD v4.1: 3 of 1,614,206 alleles (0.00019%); highest among the groups gnomAD compares: African/African-American, 0.0013%; no homozygotes.

Submissions (6):

Ambry Genetics
Classification: Likely benign for Hereditary cancer-predisposing syndrome. Last evaluated: 2026-07-13. Review status: criteria provided, single submitter. Criteria: Ambry Variant Classification Scheme 2023. Collection method: clinical testing. Allele origin: germline.

Labcorp Genetics (formerly Invitae), Labcorp
Classification: Likely benign for Hereditary diffuse gastric adenocarcinoma. Last evaluated: 2025-04-29. Review status: criteria provided, single submitter. Criteria: Invitae Variant Classification Sherloc (09022015). Collection method: clinical testing. Allele origin: germline.

Myriad Genetics, Inc.
Classification: Benign for Hereditary diffuse gastric adenocarcinoma. Last evaluated: 2024-09-24. Review status: criteria provided, single submitter. Criteria: Myriad Autosomal Dominant, Autosomal Recessive and X-Linked Classification Criteria (2023). Collection method: clinical testing. Allele origin: unknown.
Comment: This variant is considered benign. This variant is a silent/synonymous amino acid change and it is not expected to impact splicing.

GeneDx
Classification: Likely benign. Last evaluated: 2021-03-09. Review status: criteria provided, single submitter. Criteria: GeneDx Variant Classification Process June 2021. Collection method: clinical testing. Allele origin: germline. Affected: yes.

Illumina Laboratory Services, Illumina
Classification: Uncertain significance for Hereditary diffuse gastric adenocarcinoma. Last evaluated: 2018-01-13. Review status: criteria provided, single submitter. Criteria: ICSL Variant Classification Criteria 13 December 2019. Collection method: clinical testing. Allele origin: germline.

Color Diagnostics, LLC DBA Color Health
Classification: Likely benign for Hereditary cancer-predisposing syndrome. Last evaluated: 2017-12-24. Review status: criteria provided, single submitter. Criteria: ACMG Guidelines, 2015. Collection method: clinical testing. Allele origin: germline.